The following is an entry in ClinVar:

NM_000517.6(HBA2):c.38C>A (p.Ala13Asp)

Genes: HBA2 (hemoglobin subunit alpha 2; plus strand), LOC106804612 (hemoglobin subunit alpha 2 recombination region; plus strand). Cytogenetic location: 16p13.3.
Variant type: single nucleotide variant.
Coding change: c.38C>A on transcript NM_000517.6 (MANE Select); coding-DNA position 38, C replaced by A.
Protein change: p.Ala13Asp; replaces alanine 13 with aspartic acid.
Molecular consequence: missense variant.
Genome position (GRCh38, 1-based): chr16:172,950, C>A. VCF-style: chr16-172950-C-A. GRCh37 (hg19) VCF-style: chr16-222949-C-A.
Other names: short protein forms A13D.
Identifiers: ClinVar variation 993109 (VCV000993109.13), dbSNP rs281864809, ClinGen allele CA276414349.

ClinVar aggregate classification (germline): Conflicting classifications of pathogenicity. Review status: criteria provided, conflicting classifications (1 of 4 stars). 2 submissions from 2 submitters: Uncertain significance (1); Likely benign (1). Last evaluated 2025-07-23.

gnomAD v4.1: 7 of 369,882 alleles (0.0019%); highest among the groups gnomAD compares: South Asian, 0.016%; 1 homozygote.

Submissions (2):

ARUP Laboratories, Molecular Genetics and Genomics, ARUP Laboratories
Classification: Likely benign. Last evaluated: 2025-07-23. Review status: criteria provided, single submitter. Criteria: ARUP Molecular Germline Variant Investigation Process 2024. Collection method: clinical testing. Allele origin: germline.
Comment: The Hb-J-Paris-I variant (HBA2: c.38C>A; p.Ala13Asp, also known as Ala12Asp when numbered from the mature protein, rs281864809, ClinVar Variation ID: 993109, HbVar ID: 15) is reported in the literature in individuals with no clinical symptoms or hematological alterations, and is described as a stable hemoglobin variant (see link to HbVar and references therein, de la Fuente-Gonzalo 2019, Kimura 2015, Molchanova 1994, Khalil 2021, Nadkarni 2019, Hassan 2014, Moradkhani 2009, Villegas 2017, Rajab 2015). This variant is absent from the Genome Aggregation Database (v2.1.1), indicating it is not a common polymorphism. Computational analyses are uncertain whether this variant is neutral or deleterious (REVEL: 0.558). Based on available information, this variant is considered to be likely benign. References: Link to HbVar database: de la Fuente-Gonzalo et al. Characterization of deletional and non-deletional alpha globin variants in a large cohort from Spain between 2009 and 2014. Ann Hematol. 2019 Jul;98(7):1537-1545. PMID: 31025160. Hassan et al. Molecular spectrum of a-globin gene defects in the Omani population. Hemoglobin. 2014;38(6):422-6. PMID: 25370869 Khalil et al. Eleven Cases of Hb J-Paris-I [HBA2: c.38C>A (or HBA1)]: A Stable a Chain Variant Elutes in the P3 Window on High-Performance Liquid Chromatography. Hemoglobin. 2021 Sep;45(5):322-324. PMID: 34784833. Kimura et al. Investigating alpha-globin structural variants: a retrospective review of 135,000 Brazilian individuals. Rev Bras Hematol Hemoter. 2015 Mar-Apr;37(2):103-8. PMID: 25818820. Molchanova et al. The differences in quantities of alpha 2- and alpha 1-globin gene variants in heterozygotes. Br J Haematol. 1994 Oct;88(2):300-6. PMID: 7803274. Moradkhani et al. Mutations in the paralogous human alpha-globin genes yielding identical hemoglobin variants. Ann Hematol. 2009 Jun;88(6):535-43. PMID: 18923834. Nadkarni et al. The phenotypic and molecular diversity of hemoglobinopathies in India: A review of 15 years at a referral center. Int J Lab Hematol. 2019 Apr;41(2):218-226. PMID: 30489691. Rajab et al. Repository of mutations from Oman: The entry point to a national mutation database. F1000Res. 2015 Sep 23;4:891. PMID: 26594346. Villegas et al. Haemoglobinopathies that occur with decreased HbA2 levels: a gene mutation set involving the d gene at a Spanish centre. J Clin Pathol. 2017 Jan;70(1):75-80. PMID: 27387985.

Quest Diagnostics Nichols Institute San Juan Capistrano
Classification: Uncertain significance. Last evaluated: 2024-09-05. Review status: criteria provided, single submitter. Criteria: Quest Diagnostics criteria. Collection method: clinical testing. Allele origin: unknown.
Comment: The HBA2 c.38C>A (p.Ala13Asp) variant has been reported in the published literature in individuals with hematological indices and clinical phenotypes within normal range (PMID: 32597250 (2020), 31025160 (2019), 30489691 (2018), 27387985 (2017), 25818820 (2015), and 119167 (1979)). In an online hemoglobin database, this variant is reported as stable (HbVar). This variant has not been reported in large, multi-ethnic general populations (Genome Aggregation Database). Analysis of this variant using bioinformatics tools for the prediction of the effect of amino acid changes on protein structure and function yielded conflicting predictions that this variant is deleterious or benign. Based on the available information, we are unable to determine the clinical significance of this variant.

Literature cited by the submitters: PubMed 119167 (cited by Quest Diagnostics Nichols Institute San Juan Capistrano); PubMed 3124472 (cited by Quest Diagnostics Nichols Institute San Juan Capistrano); PubMed 1428950 (cited by Quest Diagnostics Nichols Institute San Juan Capistrano); PubMed 25818820 (cited by Quest Diagnostics Nichols Institute San Juan Capistrano); PubMed 27387985 (cited by Quest Diagnostics Nichols Institute San Juan Capistrano); PubMed 25370869 (cited by Quest Diagnostics Nichols Institute San Juan Capistrano); PubMed 31025160 (cited by Quest Diagnostics Nichols Institute San Juan Capistrano); PubMed 30489691 (cited by Quest Diagnostics Nichols Institute San Juan Capistrano); PubMed 18923834 (cited by Quest Diagnostics Nichols Institute San Juan Capistrano); PubMed 26594346 (cited by Quest Diagnostics Nichols Institute San Juan Capistrano); PubMed 32597250 (cited by Quest Diagnostics Nichols Institute San Juan Capistrano).